The following is an entry in ClinVar:

ClinVar aggregate classification (germline): Uncertain significance. Review status: criteria provided, multiple submitters, no conflicts (2 of 4 stars). 3 submissions from 2 submitters: Uncertain significance (3). Last evaluated 2024-09-29.

Conditions:
Primary open angle glaucoma (POAG). Also called: OPTN-related open angle glaucoma. Identifiers: MedGen C0339573, MONDO:0100553, OMIM 137760.
Amyotrophic lateral sclerosis type 12 (ALS12). Also called: AMYOTROPHIC LATERAL SCLEROSIS 12 WITH OR WITHOUT FRONTOTEMPORAL DEMENTIA. Identifiers: Orphanet 803, MedGen C3150692, MONDO:0013264, OMIM 613435.
Glaucoma 1, open angle, E. Identifiers: MedGen C1842026, MONDO:0007665.

Allele frequency attached by ClinVar (database versions not stated): gnomAD 0.00001; TOPMed 0.00001.

Submissions (3):

Labcorp Genetics (formerly Invitae), Labcorp
Classification: Uncertain significance for Primary open angle glaucoma; Glaucoma 1, open angle, E; Amyotrophic lateral sclerosis type 12. Last evaluated: 2024-09-29. Review status: criteria provided, single submitter. Criteria: Invitae Variant Classification Sherloc (09022015). Collection method: clinical testing. Allele origin: germline.
Comment: This sequence change replaces arginine, which is basic and polar, with lysine, which is basic and polar, at codon 133 of the OPTN protein (p.Arg133Lys). This variant is present in population databases (no rsID available, gnomAD 0.0009%). This variant has not been reported in the literature in individuals affected with OPTN-related conditions. ClinVar contains an entry for this variant (Variation ID: 878706). Invitae Evidence Modeling of protein sequence and biophysical properties (such as structural, functional, and spatial information, amino acid conservation, physicochemical variation, residue mobility, and thermodynamic stability) indicates that this missense variant is not expected to disrupt OPTN protein function with a negative predictive value of 80%. In summary, the available evidence is currently insufficient to determine the role of this variant in disease. Therefore, it has been classified as a Variant of Uncertain Significance.

Illumina Laboratory Services, Illumina
Classification: Uncertain significance for Primary open angle glaucoma. Last evaluated: 2018-01-13. Review status: criteria provided, single submitter. Criteria: ICSL Variant Classification Criteria 13 December 2019. Collection method: clinical testing. Allele origin: germline.

Illumina Laboratory Services, Illumina
Classification: Uncertain significance for Amyotrophic lateral sclerosis type 12. Last evaluated: 2018-01-13. Review status: criteria provided, single submitter. Criteria: ICSL Variant Classification Criteria 13 December 2019. Collection method: clinical testing. Allele origin: germline.

NM_001008212.2(OPTN):c.398G>A (p.Arg133Lys)

Gene: OPTN (optineurin; plus strand). Cytogenetic location: 10p13.
Variant type: single nucleotide variant.
Coding change: c.398G>A on transcript NM_001008212.2 (MANE Select); coding-DNA position 398, G replaced by A.
Protein change: p.Arg133Lys; replaces arginine 133 with lysine.
Molecular consequence: missense variant.
Genome position (GRCh38, 1-based): chr10:13,112,481, G>A. VCF-style: chr10-13112481-G-A. GRCh37 (hg19) VCF-style: chr10-13154481-G-A.
Other names: c.398G>A, p.Arg133Lys (NM_001008211.1, NM_001008213.1, NM_021980.4); short protein forms R133K.
Identifiers: ClinVar variation 878706 (VCV000878706.6), dbSNP rs1269604352, ClinGen allele CA376027824.